The following is an entry in ClinVar:

NM_014804.3(KIAA0753):c.719-1G>T

Gene: KIAA0753 (KIAA0753; minus strand). Cytogenetic location: 17p13.1.
Variant type: single nucleotide variant.
Coding change: c.719-1G>T on transcript NM_014804.3 (MANE Select); the canonical splice acceptor site of the intron before coding-DNA position 719, G replaced by T.
Molecular consequence: splice acceptor variant.
Genome position (GRCh38, 1-based): chr17:6,624,862, C>A on the plus strand (G>T on the coding strand, the complement: KIAA0753 is on the minus strand). VCF-style: chr17-6624862-C-A. GRCh37 (hg19) VCF-style: chr17-6528182-C-A.
Other names: c.-516-1G>T (NM_001351225.2).
Identifiers: ClinVar variation 4852623 (VCV004852623.2).
Genomic context (GRCh38, chr17:6,624,862, plus strand): 5'-CCTGTCTCCTGATACGGATTCGACGTTCTTCATCTGGATCCAAAGCTTCTTCTAGTCTAT[C>A]TGAAAATATTAATAGTTTTCCCCAAAAGTGGATTATAAACCATATATTAAAACTTACAAA-3'

ClinVar aggregate classification (germline): Likely pathogenic (1 of 4 stars; one submission).

Submission:

Dasa
Classification: Likely pathogenic. Last evaluated: 2024-08-02. Review status: criteria provided, single submitter. Criteria: DASA Assertion Criteria. Collection method: clinical testing. Allele origin: germline.
Comment: NM_014804.3(KIAA0753):c.719-1G>T affects a canonical splice site and is predicted to disrupt normal RNA splicing. Loss of function is an established disease mechanism for KIAA0753-associated disorders. Also, this variant is absent from population databases. Based on the currently available evidence, this variant is classified as likely pathogenic.